The following is an entry in ClinVar:

ClinVar aggregate classification (germline): Uncertain significance (1 of 4 stars; one submission).

Submission:

Labcorp Genetics (formerly Invitae), Labcorp
Classification: Uncertain significance. Last evaluated: 2024-07-29. Review status: criteria provided, single submitter. Criteria: Invitae Variant Classification Sherloc (09022015). Collection method: clinical testing. Allele origin: germline.
Comment: This sequence change replaces glutamic acid, which is acidic and polar, with glycine, which is neutral and non-polar, at codon 158 of the APRT protein (p.Glu158Gly). This variant is not present in population databases (gnomAD no frequency). This variant has not been reported in the literature in individuals affected with APRT-related conditions. ClinVar contains an entry for this variant (Variation ID: 2102169). An algorithm developed to predict the effect of missense changes on protein structure and function (PolyPhen-2) suggests that this variant is likely to be disruptive. Algorithms developed to predict the effect of sequence changes on RNA splicing suggest that this variant may disrupt the consensus splice site. In summary, the available evidence is currently insufficient to determine the role of this variant in disease. Therefore, it has been classified as a Variant of Uncertain Significance.

NM_000485.3(APRT):c.473A>G (p.Glu158Gly)

Gene: APRT (adenine phosphoribosyltransferase; minus strand). Cytogenetic location: 16q24.3.
Variant type: single nucleotide variant.
Coding change: c.473A>G on transcript NM_000485.3 (MANE Select); coding-DNA position 473, A replaced by G.
Protein change: p.Glu158Gly; replaces glutamic acid 158 with glycine.
Molecular consequence: missense variant. On other transcripts: intron variant (1).
Genome position (GRCh38, 1-based): chr16:88,809,768, T>C on the plus strand (A>G on the coding strand, the complement: APRT is on the minus strand). VCF-style: chr16-88809768-T-C. GRCh37 (hg19) VCF-style: chr16-88876176-T-C.
Other names: c.401-62A>G (NM_001030018.2); short protein forms E158G.
Identifiers: ClinVar variation 2102169 (VCV002102169.4), dbSNP rs2508229058, ClinGen allele CA397087019.